The following is an entry in ClinVar:

ClinVar aggregate classification (germline): Uncertain significance. Review status: criteria provided, multiple submitters, no conflicts (2 of 4 stars). 2 submissions from 2 submitters: Uncertain significance (2). Last evaluated 2023-11-22.

Conditions:
Hereditary cancer-predisposing syndrome. Also called: Hereditary Cancer Syndrome; Neoplastic Syndromes, Hereditary; Tumor predisposition; Hereditary neoplastic syndrome. Identifiers: Orphanet 140162, MedGen C0027672, MeSH D009386, MONDO:0015356.
Familial adenomatous polyposis 1 (FAP1). Also called: FAMILIAL ADENOMATOUS POLYPOSIS 1, ATTENUATED; POLYPOSIS, ADENOMATOUS INTESTINAL. Identifiers: MedGen C2713442, MONDO:0021056, OMIM 175100. Disease mechanism: loss of function.

Submissions (2):

Labcorp Genetics (formerly Invitae), Labcorp
Classification: Uncertain significance for Familial adenomatous polyposis 1. Last evaluated: 2023-11-22. Review status: criteria provided, single submitter. Criteria: Invitae Variant Classification Sherloc (09022015). Collection method: clinical testing. Allele origin: germline.
Comment: This sequence change replaces asparagine, which is neutral and polar, with lysine, which is basic and polar, at codon 1815 of the APC protein (p.Asn1815Lys). This variant is not present in population databases (gnomAD no frequency). This variant has not been reported in the literature in individuals affected with APC-related conditions. ClinVar contains an entry for this variant (Variation ID: 1747574). Advanced modeling of protein sequence and biophysical properties (such as structural, functional, and spatial information, amino acid conservation, physicochemical variation, residue mobility, and thermodynamic stability) performed at Invitae indicates that this missense variant is not expected to disrupt APC protein function with a negative predictive value of 95%. In summary, the available evidence is currently insufficient to determine the role of this variant in disease. Therefore, it has been classified as a Variant of Uncertain Significance.

Ambry Genetics
Classification: Uncertain significance for Hereditary cancer-predisposing syndrome. Last evaluated: 2021-09-10. Review status: criteria provided, single submitter. Criteria: Ambry Variant Classification Scheme 2023. Collection method: clinical testing. Allele origin: germline.
Comment: The p.N1815K variant (also known as c.5445T>G), located in coding exon 15 of the APC gene, results from a T to G substitution at nucleotide position 5445. The asparagine at codon 1815 is replaced by lysine, an amino acid with similar properties. This amino acid position is not well conserved in available vertebrate species. In addition, in silico predictors for this gene do not accurately predict pathogenicity. Since supporting evidence is limited at this time, the clinical significance of this alteration remains unclear.

Literature cited by the submitters: PubMed 29150975 (cited by Ambry Genetics).

NM_000038.6(APC):c.5445T>G (p.Asn1815Lys)

Gene: APC (APC regulator of Wnt signaling pathway; plus strand). Cytogenetic location: 5q22.2.
Variant type: single nucleotide variant.
Coding change: c.5445T>G on transcript NM_000038.6 (MANE Select); coding-DNA position 5445, T replaced by G.
Protein change: p.Asn1815Lys; replaces asparagine 1815 with lysine.
Molecular consequence: missense variant.
Genome position (GRCh38, 1-based): chr5:112,841,039, T>G. VCF-style: chr5-112841039-T-G. GRCh37 (hg19) VCF-style: chr5-112176736-T-G.
Other names: c.5445T>G, p.Asn1815Lys (NM_001127510.3, NM_001354895.2, NM_001407450.1); c.5391T>G, p.Asn1797Lys (NM_001127511.3); c.5499T>G, p.Asn1833Lys (NM_001354896.2, NM_001407447.1, NM_001407448.1 and 1 more transcripts); c.5475T>G, p.Asn1825Lys (NM_001354897.2); c.5370T>G, p.Asn1790Lys (NM_001354898.2); c.5361T>G, p.Asn1787Lys (NM_001354899.2); c.5322T>G, p.Asn1774Lys (NM_001354900.2); c.5268T>G, p.Asn1756Lys (NM_001354901.2, NM_001407453.1); and 11 more; short protein forms N1655K, N1686K, N1689K, N1732K, N1797K, N1825K, N1843K, N1756K.
Identifiers: ClinVar variation 1747574 (VCV001747574.5), dbSNP rs1580660183, ClinGen allele CA16033239.